The following is an entry in ClinVar:

NM_000215.4(JAK3):c.2503A>T (p.Ser835Cys)

Gene: JAK3 (Janus kinase 3; minus strand). Cytogenetic location: 19p13.11.
Variant type: single nucleotide variant.
Coding change: c.2503A>T on transcript NM_000215.4 (MANE Select); coding-DNA position 2503, A replaced by T.
Protein change: p.Ser835Cys; replaces serine 835 with cysteine.
Molecular consequence: missense variant.
Genome position (GRCh38, 1-based): chr19:17,832,696, T>A on the plus strand (A>T on the coding strand, the complement: JAK3 is on the minus strand). VCF-style: chr19-17832696-T-A. GRCh37 (hg19) VCF-style: chr19-17943505-T-A.
Other names: short protein forms S835C.
Identifiers: ClinVar variation 636504 (VCV000636504.6), dbSNP rs201966394, ClinGen allele CA9301585.

ClinVar aggregate classification (germline): Uncertain significance. Review status: criteria provided, multiple submitters, no conflicts (2 of 4 stars). 3 submissions from 3 submitters: Uncertain significance (3). Last evaluated 2024-08-07.

Conditions:
T-B+ severe combined immunodeficiency due to JAK3 deficiency. Also called: SCID, autosomal recessive, T-negative/B-positive type; SCID, T CELL-NEGATIVE, B CELL-POSITIVE, NK CELL-NEGATIVE. Identifiers: Orphanet 35078, MedGen C1833275, MONDO:0010938, OMIM 600802.

Allele frequency attached by ClinVar (database versions not stated): ExAC 0.00001; gnomAD exomes 0.00002 and 0.00003; TOPMed 0.00002; gnomAD 0.00003 and 0.00004.
gnomAD v4.1: 56 of 1,614,114 alleles (0.0035%); highest among the groups gnomAD compares: Middle Eastern, 0.016%; no homozygotes.

Submissions (3):

Blueprint Genetics
Classification: Uncertain significance. Last evaluated: 2024-08-07. Review status: criteria provided, single submitter. Criteria: ACMG Guidelines, 2015. Collection method: clinical testing. Allele origin: germline.

Labcorp Genetics (formerly Invitae), Labcorp
Classification: Uncertain significance for T-B+ severe combined immunodeficiency due to JAK3 deficiency. Last evaluated: 2022-07-26. Review status: criteria provided, single submitter. Criteria: Invitae Variant Classification Sherloc (09022015). Collection method: clinical testing. Allele origin: germline.
Comment: This sequence change replaces serine, which is neutral and polar, with cysteine, which is neutral and slightly polar, at codon 835 of the JAK3 protein (p.Ser835Cys). This variant is present in population databases (rs201966394, gnomAD 0.008%). This variant has not been reported in the literature in individuals affected with JAK3-related conditions. ClinVar contains an entry for this variant (Variation ID: 636504). Algorithms developed to predict the effect of missense changes on protein structure and function are either unavailable or do not agree on the potential impact of this missense change (SIFT: "Deleterious"; PolyPhen-2: "Probably Damaging"; Align-GVGD: "Class C15"). Algorithms developed to predict the effect of sequence changes on RNA splicing suggest that this variant may disrupt the consensus splice site. In summary, the available evidence is currently insufficient to determine the role of this variant in disease. Therefore, it has been classified as a Variant of Uncertain Significance.

Laboratorio de Genetica e Diagnostico Molecular, Hospital Israelita Albert Einstein
Classification: Uncertain significance for T-B+ severe combined immunodeficiency due to JAK3 deficiency. Last evaluated: 2022-07-25. Review status: criteria provided, single submitter. Criteria: ACMG Guidelines, 2015. Collection method: clinical testing. Allele origin: germline. Affected: yes. Observed: 1 variant allele.
Comment: ACMG classification criteria: PM2 moderated, PP3 supporting